The following is an entry in ClinVar:

ClinVar aggregate classification (germline): Uncertain significance (1 of 4 stars; one submission).

Conditions:
Severe combined immunodeficiency due to DNA-PKcs deficiency. Also called: IMMUNODEFICIENCY 26 WITH NEUROLOGIC ABNORMALITIES; Immunodeficiency 26 with or without neurologic abnormalities. Identifiers: Orphanet 317425, MedGen C4014833, MONDO:0014423, OMIM 615966.

Submission:

Labcorp Genetics (formerly Invitae), Labcorp
Classification: Uncertain significance for Severe combined immunodeficiency due to DNA-PKcs deficiency. Last evaluated: 2022-07-24. Review status: criteria provided, single submitter. Criteria: Invitae Variant Classification Sherloc (09022015). Collection method: clinical testing. Allele origin: germline.
Comment: Experimental studies and prediction algorithms are not available or were not evaluated, and the functional significance of this variant is currently unknown. This sequence change replaces leucine, which is neutral and non-polar, with phenylalanine, which is neutral and non-polar, at codon 2780 of the PRKDC protein (p.Leu2780Phe). This variant is not present in population databases (gnomAD no frequency). This variant has not been reported in the literature in individuals affected with PRKDC-related conditions. In summary, the available evidence is currently insufficient to determine the role of this variant in disease. Therefore, it has been classified as a Variant of Uncertain Significance.

NM_006904.7(PRKDC):c.8338C>T (p.Leu2780Phe)

Gene: PRKDC (protein kinase, DNA-activated, catalytic subunit; minus strand). Cytogenetic location: 8q11.21.
Variant type: single nucleotide variant.
Coding change: c.8338C>T on transcript NM_006904.7 (MANE Select); coding-DNA position 8338, C replaced by T.
Protein change: p.Leu2780Phe; replaces leucine 2780 with phenylalanine.
Molecular consequence: missense variant.
Genome position (GRCh38, 1-based): chr8:47,830,664, G>A on the plus strand (C>T on the coding strand, the complement: PRKDC is on the minus strand). VCF-style: chr8-47830664-G-A. GRCh37 (hg19) VCF-style: chr8-48743225-G-A.
Other names: c.8338C>T, p.Leu2780Phe (NM_001081640.2); short protein forms L2780F.
Identifiers: ClinVar variation 1909193 (VCV001909193.5), dbSNP rs2551866621, ClinGen allele CA371146941.